The following is an entry in ClinVar:

NM_001127222.2(CACNA1A):c.2810G>T (p.Gly937Val)

Gene: CACNA1A (calcium voltage-gated channel subunit alpha1 A; minus strand). Cytogenetic location: 19p13.13.
Variant type: single nucleotide variant.
Coding change: c.2810G>T on transcript NM_001127222.2 (MANE Select); coding-DNA position 2810, G replaced by T.
Protein change: p.Gly937Val; replaces glycine 937 with valine.
Molecular consequence: missense variant.
Genome position (GRCh38, 1-based): chr19:13,298,823, C>A on the plus strand (G>T on the coding strand, the complement: CACNA1A is on the minus strand). VCF-style: chr19-13298823-C-A. GRCh37 (hg19) VCF-style: chr19-13409637-C-A.
Other names: c.2822G>T, p.Gly941Val (NM_000068.4, NM_023035.3); c.2813G>T, p.Gly938Val (NM_001127221.2, NM_001174080.2); short protein forms G941V, G937V, G938V.
Identifiers: ClinVar variation 2940416 (VCV002940416.3), dbSNP rs776984750, ClinGen allele CA9240471.

ClinVar aggregate classification (germline): Uncertain significance (1 of 4 stars; one submission).

Conditions:
Episodic ataxia type 2 (EA2). Also called: CEREBELLAR ATAXIA, PAROXYSMAL, ACETAZOLAMIDE-RESPONSIVE; CEREBELLOPATHY, HEREDITARY PAROXYSMAL; EPISODIC ATAXIA, NYSTAGMUS-ASSOCIATED; ACETAZOLAMIDE-RESPONSIVE HEREDITARY PAROXYSMAL CEREBELLAR ATAXIA; ATAXIA, EPISODIC, WITH NYSTAGMUS; ATAXIA, FAMILIAL PAROXYSMAL. Identifiers: Orphanet 97, MedGen C1720416, MONDO:0007163, OMIM 108500.
Developmental and epileptic encephalopathy, 42 (DEE42A). Also called: Epileptic encephalopathy, early infantile, 42; DEVELOPMENTAL AND EPILEPTIC ENCEPHALOPATHY 42A; EPILEPTIC ENCEPHALOPATHY, EARLY INFANTILE, 42A. Identifiers: MedGen C4310716, MONDO:0014917, OMIM 617106.

Allele frequency attached by ClinVar (database versions not stated): ExAC 0.00002.
gnomAD v4.1: 1 of 1,574,434 alleles (0.000064%); highest among the groups gnomAD compares: Non-Finnish European, 0.000085%; no homozygotes.

Submission:

Labcorp Genetics (formerly Invitae), Labcorp
Classification: Uncertain significance for Developmental and epileptic encephalopathy, 42; Episodic ataxia type 2. Last evaluated: 2023-11-24. Review status: criteria provided, single submitter. Criteria: Invitae Variant Classification Sherloc (09022015). Collection method: clinical testing. Allele origin: germline.
Comment: This sequence change replaces glycine, which is neutral and non-polar, with valine, which is neutral and non-polar, at codon 938 of the CACNA1A protein (p.Gly938Val). This variant is present in population databases (rs776984750, gnomAD 0.001%). This variant has not been reported in the literature in individuals affected with CACNA1A-related conditions. Advanced modeling of protein sequence and biophysical properties (such as structural, functional, and spatial information, amino acid conservation, physicochemical variation, residue mobility, and thermodynamic stability) performed at Invitae indicates that this missense variant is not expected to disrupt CACNA1A protein function with a negative predictive value of 95%. Algorithms developed to predict the effect of sequence changes on RNA splicing suggest that this variant may create or strengthen a splice site. In summary, the available evidence is currently insufficient to determine the role of this variant in disease. Therefore, it has been classified as a Variant of Uncertain Significance.